The following is an entry in ClinVar:

NM_001035.3(RYR2):c.6656G>A (p.Ser2219Asn)

Gene: RYR2 (ryanodine receptor 2; plus strand). Cytogenetic location: 1q43.
Variant type: single nucleotide variant.
Coding change: c.6656G>A on transcript NM_001035.3 (MANE Select); coding-DNA position 6656, G replaced by A.
Protein change: p.Ser2219Asn; replaces serine 2219 with asparagine.
Molecular consequence: missense variant.
Genome position (GRCh38, 1-based): chr1:237,633,678, G>A. VCF-style: chr1-237633678-G-A. GRCh37 (hg19) VCF-style: chr1-237796978-G-A.
Other names: short protein forms S2219N.
Identifiers: ClinVar variation 3071702 (VCV003071702.1), dbSNP rs774615963, ClinGen allele CA087160.
Genomic context (GRCh38, chr1:237,633,678, plus strand): 5'-TTCTCTGTTACTTCTGTCGTATAAGTAGGCAGAATCAAAAAGCTATGTTTGATCATCTCA[G>A]TTATTTACTGGAAAACAGCAGTGTTGGTCTTGGTAAGTAAATGACTTTTATTTCATCTTT-3'
Protein context (NP_001026.2, residues 2209-2229): QNQKAMFDHL[Ser2219Asn]YLLENSSVGL

ClinVar aggregate classification (germline): Uncertain significance (1 of 4 stars; one submission).

Conditions:
Catecholaminergic polymorphic ventricular tachycardia (CVPT). Also called: Catecholamine-induced polymorphic ventricular tachycardia. Identifiers: Orphanet 3286, MedGen C5574922, MONDO:0017990.

Allele frequency attached by ClinVar (database versions not stated): gnomAD exomes below 0.00001; ExAC 0.00001.
gnomAD v4.1: 2 of 1,613,662 alleles (0.00012%); highest among the groups gnomAD compares: Non-Finnish European, 0.00017%; no homozygotes.

Submission:

All of Us Research Program, National Institutes of Health
Classification: Uncertain significance for Catecholaminergic polymorphic ventricular tachycardia. Last evaluated: 2023-06-28. Review status: criteria provided, single submitter. Criteria: ACMG Guidelines, 2015. Collection method: clinical testing. Allele origin: germline. Inheritance: Autosomal dominant inheritance. Observed: 1 variant allele, 1 heterozygote.
Comment: This study involves interpretation of variants in research participants for the purpose of population health screening. Participant phenotype was not available at the time of variant classification. Additional details can be found in publication PMID: 35346344, PMCID: PMC8962531